The following is an entry in ClinVar:

NM_000211.5(ITGB2):c.77C>G (p.Thr26Arg)

Gene: ITGB2 (integrin subunit beta 2; minus strand). Cytogenetic location: 21q22.3.
Variant type: single nucleotide variant.
Coding change: c.77C>G on transcript NM_000211.5 (MANE Select); coding-DNA position 77, C replaced by G.
Protein change: p.Thr26Arg; replaces threonine 26 with arginine.
Molecular consequence: missense variant. On other transcripts: 5 prime UTR variant (1).
Genome position (GRCh38, 1-based): chr21:44,910,354, G>C on the plus strand (C>G on the coding strand, the complement: ITGB2 is on the minus strand). VCF-style: chr21-44910354-G-C. GRCh37 (hg19) VCF-style: chr21-46330269-G-C.
Other names: p.Thr26Arg; c.77C>G, p.Thr26Arg (NM_001127491.3); c.-131C>G (NM_001303238.2); short protein forms T26R.
Identifiers: ClinVar variation 530675 (VCV000530675.13), dbSNP rs148038936, ClinGen allele CA10063409.

ClinVar aggregate classification (germline): Uncertain significance. Review status: criteria provided, multiple submitters, no conflicts (2 of 4 stars). 4 submissions from 4 submitters: Uncertain significance (4). Last evaluated 2026-01-18.

Conditions:
Leukocyte adhesion deficiency 1 (LAD1). Also called: LEUKOCYTE ADHESION DEFICIENCY, TYPE I; LAD 1; Lymphocyte function-associated antigen 1 immunodeficiency; LFA 1 immunodeficiency. Identifiers: Orphanet 2968, Orphanet 99842, MedGen C0398738, MONDO:0007293, OMIM 116920.

Allele frequency attached by ClinVar (database versions not stated): gnomAD 0.00010; 1000 Genomes Project 0.00020; ESP Exome Variant Server 0.00023; TOPMed 0.00024; 1000 Genomes Project 30x 0.00031.
gnomAD v4.1: 561 of 1,614,134 alleles (0.035%); highest among the groups gnomAD compares: South Asian, 0.063%; no homozygotes.

Submissions (4):

Labcorp Genetics (formerly Invitae), Labcorp
Classification: Uncertain significance for Leukocyte adhesion deficiency 1. Last evaluated: 2026-01-18. Review status: criteria provided, single submitter. Criteria: Invitae Variant Classification Sherloc (09022015). Collection method: clinical testing. Allele origin: germline.
Comment: This sequence change replaces threonine, which is neutral and polar, with arginine, which is basic and polar, at codon 26 of the ITGB2 protein (p.Thr26Arg). This variant is present in population databases (rs148038936, gnomAD 0.05%). This variant has not been reported in the literature in individuals affected with ITGB2-related conditions. ClinVar contains an entry for this variant (Variation ID: 530675). Invitae Evidence Modeling of protein sequence and biophysical properties (such as structural, functional, and spatial information, amino acid conservation, physicochemical variation, residue mobility, and thermodynamic stability) has been performed for this missense variant. However, the output from this modeling did not meet the statistical confidence thresholds required to predict the impact of this variant on ITGB2 protein function. In summary, the available evidence is currently insufficient to determine the role of this variant in disease. Therefore, it has been classified as a Variant of Uncertain Significance.

Mayo Clinic Laboratories, Mayo Clinic
Classification: Uncertain significance. Last evaluated: 2025-09-03. Review status: criteria provided, single submitter. Criteria: ACMG Guidelines, 2015. Collection method: clinical testing. Allele origin: germline. Observed: 2 variant alleles.

Illumina Laboratory Services, Illumina
Classification: Uncertain significance for Leukocyte adhesion deficiency 1. Last evaluated: 2018-01-12. Review status: criteria provided, single submitter. Criteria: ICSL Variant Classification Criteria 13 December 2019. Collection method: clinical testing. Allele origin: germline.

Breakthrough Genomics
Classification: Uncertain significance. Review status: criteria provided, single submitter. Criteria: ACMG Guidelines, 2015. Collection method: not provided. Allele origin: germline. Inheritance: Autosomal dominant inheritance. Affected: yes.